The following is an entry in ClinVar:

NM_001371986.1(UNC80):c.298+2T>C

Gene: UNC80 (unc-80 subunit of NALCN channel complex; plus strand). Cytogenetic location: 2q34.
Variant type: single nucleotide variant.
Coding change: c.298+2T>C on transcript NM_001371986.1 (MANE Select); the canonical splice donor site of the intron after coding-DNA position 298, T replaced by C.
Molecular consequence: splice donor variant.
Genome position (GRCh38, 1-based): chr2:209,776,047, T>C. VCF-style: chr2-209776047-T-C. GRCh37 (hg19) VCF-style: chr2-210640771-T-C.
Other names: c.298+2T>C (NM_032504.2, NM_182587.4).
Identifiers: ClinVar variation 1518518 (VCV001518518.13), dbSNP rs143612678, ClinGen allele CA2082704.
Genomic context (GRCh38, chr2:209,776,047, plus strand): 5'-TGCTTTGCCTCATGTCCTCCACTGCACTGCAACCCTGCTTTCAAACCGAAACAAGCTAGG[T>C]TGGTGCCCCGCATTACTTCTTTATTGCATGTGATTGCCCTTTGTGTTCAACACTCATCAT-3'

ClinVar aggregate classification (germline): Conflicting classifications of pathogenicity. Review status: criteria provided, conflicting classifications (1 of 4 stars). 4 submissions from 4 submitters: Likely pathogenic (2); Uncertain significance (2). Last evaluated 2026-03-14.

Conditions:
Inborn genetic diseases. Identifiers: MedGen C0950123, MeSH D030342.
Hypotonia, infantile, with psychomotor retardation and characteristic facies 2 (IHPRF2). Also called: UNC80 Deficiency. Identifiers: Orphanet 371364, Orphanet 700333, MedGen C4225203, MONDO:0014777, OMIM 616801.

Allele frequency attached by ClinVar (database versions not stated): gnomAD 0.00004; TOPMed 0.00005; gnomAD exomes 0.00003 and 0.00005; ESP Exome Variant Server 0.00023; ExAC 0.00003.
gnomAD v4.1: 80 of 1,613,922 alleles (0.005%); highest among the groups gnomAD compares: Non-Finnish European, 0.0066%; no homozygotes.

Submissions (4):

GeneDx
Classification: Uncertain significance. Last evaluated: 2026-03-14. Review status: criteria provided, single submitter. Criteria: GeneDx Variant Classification Process June 2021. Collection method: clinical testing. Allele origin: germline.
Comment: Canonical splice site variant predicted to result in a null allele in a gene for which loss of function is a known mechanism of disease; Has not been previously published as pathogenic or benign to our knowledge; This variant is associated with the following publications: (PMID: 26708753, 26545877, 26708751)

Labcorp Genetics (formerly Invitae), Labcorp
Classification: Likely pathogenic. Last evaluated: 2025-10-29. Review status: criteria provided, single submitter. Criteria: Invitae Variant Classification Sherloc (09022015). Collection method: clinical testing. Allele origin: germline.
Comment: This sequence change affects a donor splice site in intron 3 of the UNC80 gene. It is expected to disrupt RNA splicing. Variants that disrupt the donor or acceptor splice site typically lead to a loss of protein function (PMID: 16199547), and loss-of-function variants in UNC80 are known to be pathogenic (PMID: 26545877, 26708751, 26708753). This variant is present in population databases (rs143612678, gnomAD 0.007%). This variant has not been reported in the literature in individuals affected with UNC80-related conditions. ClinVar contains an entry for this variant (Variation ID: 1518518). Algorithms developed to predict the effect of sequence changes on RNA splicing suggest that this variant may disrupt the consensus splice site. In summary, the currently available evidence indicates that the variant is pathogenic, but additional data are needed to prove that conclusively. Therefore, this variant has been classified as Likely Pathogenic.

Fulgent Genetics
Classification: Likely pathogenic for Hypotonia, infantile, with psychomotor retardation and characteristic facies 2. Last evaluated: 2024-03-19. Review status: criteria provided, single submitter. Criteria: ACMG Guidelines, 2015. Collection method: clinical testing. Allele origin: germline.

Ambry Genetics
Classification: Uncertain significance for Inborn genetic diseases. Last evaluated: 2021-12-08. Review status: criteria provided, single submitter. Criteria: Ambry Variant Classification Scheme 2023. Collection method: clinical testing. Allele origin: germline.
Comment: The c.298+2T>C intronic alteration consists of a T to C substitution nucleotides after coding exon 3 in the UNC80 gene. Based on insufficient or conflicting evidence, the clinical significance of this alteration remains unclear.

Literature cited by the submitters: PubMed 16199547 (cited by Labcorp Genetics (formerly Invitae), Labcorp); PubMed 26545877 (cited by Labcorp Genetics (formerly Invitae), Labcorp); PubMed 26708751 (cited by Labcorp Genetics (formerly Invitae), Labcorp); PubMed 26708753 (cited by Labcorp Genetics (formerly Invitae), Labcorp).